The following is an entry in ClinVar:

NM_001039348.3(EFEMP1):c.298G>A (p.Gly100Arg)

Gene: EFEMP1 (EGF-like fibulin extracellular matrix protein 1; minus strand). Cytogenetic location: 2p16.1.
Variant type: single nucleotide variant.
Coding change: c.298G>A on transcript NM_001039348.3 (MANE Select); coding-DNA position 298, G replaced by A.
Protein change: p.Gly100Arg; replaces glycine 100 with arginine.
Molecular consequence: missense variant.
Genome position (GRCh38, 1-based): chr2:55,917,884, C>T on the plus strand (G>A on the coding strand, the complement: EFEMP1 is on the minus strand). VCF-style: chr2-55917884-C-T. GRCh37 (hg19) VCF-style: chr2-56145019-C-T.
Other names: c.298G>A, p.Gly100Arg (NM_001039349.3); short protein forms G100R.
Identifiers: ClinVar variation 852904 (VCV000852904.9), dbSNP rs150201810, ClinGen allele CA1668964.
Genomic context (GRCh38, chr2:55,917,884, plus strand): 5'-CCACAAAACCACCCCCGGGCAACACTCCACTGGTTGCCATGCTGCTGGCAGCTACAACCC[C>T]GGTGGTTGCCCCTGAGGTTCCTTCTGCTGGTTGTGTTTCCTGCTGAGGCTGTTCATTATT-3'
Protein context (NP_001034437.1, residues 90-110): PAEGTSGATT[Gly100Arg]VVAASSMATS

ClinVar aggregate classification (germline): Uncertain significance. Review status: criteria provided, multiple submitters, no conflicts (2 of 4 stars). 2 submissions from 2 submitters: Uncertain significance (2). Last evaluated 2025-12-08.

Conditions:
Inborn genetic diseases. Identifiers: MedGen C0950123, MeSH D030342.

Allele frequency attached by ClinVar (database versions not stated): ExAC 0.00001; gnomAD exomes 0.00001; gnomAD 0.00002; TOPMed 0.00005; ESP Exome Variant Server 0.00008.
gnomAD v4.1: 16 of 1,614,110 alleles (0.00099%); highest among the groups gnomAD compares: African/African-American, 0.008%; no homozygotes.

Submissions (2):

Labcorp Genetics (formerly Invitae), Labcorp
Classification: Uncertain significance. Last evaluated: 2025-12-08. Review status: criteria provided, single submitter. Criteria: Invitae Variant Classification Sherloc (09022015). Collection method: clinical testing. Allele origin: germline.
Comment: This sequence change replaces glycine, which is neutral and non-polar, with arginine, which is basic and polar, at codon 100 of the EFEMP1 protein (p.Gly100Arg). This variant is present in population databases (rs150201810, gnomAD 0.004%). This variant has not been reported in the literature in individuals affected with EFEMP1-related conditions. ClinVar contains an entry for this variant (Variation ID: 852904). An algorithm developed to predict the effect of missense changes on protein structure and function (PolyPhen-2) suggests that this variant is likely to be tolerated. In summary, the available evidence is currently insufficient to determine the role of this variant in disease. Therefore, it has been classified as a Variant of Uncertain Significance.

Ambry Genetics
Classification: Uncertain significance for Inborn genetic diseases. Last evaluated: 2025-08-13. Review status: criteria provided, single submitter. Criteria: Ambry Variant Classification Scheme 2023. Collection method: clinical testing. Allele origin: germline.